The following is an entry in ClinVar:

ClinVar aggregate classification (germline): Likely benign. Review status: criteria provided, multiple submitters, no conflicts (2 of 4 stars). 2 submissions from 2 submitters: Likely benign (2). Last evaluated 2026-01-22.

Conditions:
Lung cancer. Also called: Lung cancer, somatic; Malignant tumor of lung. Identifiers: MedGen C0242379, MONDO:0008903, OMIM 211980.
EGFR-related lung cancer (EGFR). Identifiers: MedGen CN130014.

Allele frequency attached by ClinVar (database versions not stated): gnomAD exomes 0.00001; ExAC 0.00002; TOPMed 0.00003; gnomAD 0.00004; ESP Exome Variant Server 0.00008; 1000 Genomes Project 0.00020; 1000 Genomes Project 30x 0.00031.

Submissions (2):

Labcorp Genetics (formerly Invitae), Labcorp
Classification: Likely benign for EGFR-related lung cancer. Last evaluated: 2026-01-22. Review status: criteria provided, single submitter. Criteria: Invitae Variant Classification Sherloc (09022015). Collection method: clinical testing. Allele origin: germline.

Myriad Genetics, Inc.
Classification: Likely benign for Lung cancer. Last evaluated: 2024-10-17. Review status: criteria provided, single submitter. Criteria: Myriad Autosomal Dominant, Autosomal Recessive and X-Linked Classification Criteria (2023). Collection method: clinical testing. Allele origin: unknown.
Comment: This variant is considered likely benign. This variant is intronic and is not expected to impact mRNA splicing.

NM_005228.5(EGFR):c.2625+9G>A

Gene: EGFR (epidermal growth factor receptor; plus strand). Cytogenetic location: 7p11.2.
Variant type: single nucleotide variant.
Coding change: c.2625+9G>A on transcript NM_005228.5 (MANE Select); 9 bases into the intron after coding-DNA position 2625, G replaced by A.
Molecular consequence: intron variant.
Genome position (GRCh38, 1-based): chr7:55,191,883, G>A. VCF-style: chr7-55191883-G-A. GRCh37 (hg19) VCF-style: chr7-55259576-G-A.
Other names: c.2490+9G>A (NM_001346899.2, NM_001346897.2); c.1824+9G>A (NM_001346941.2); c.2625+9G>A (NM_001346898.2); c.2466+9G>A (NM_001346900.2).
Identifiers: ClinVar variation 1123894 (VCV001123894.10), dbSNP rs369108256, ClinGen allele CA4266119.
Genomic context (GRCh38, chr7:55,191,883, plus strand): 5'-GGCCAAACTGCTGGGTGCGGAAGAGAAAGAATACCATGCAGAAGGAGGCAAAGTAAGGAG[G>A]TGGCTTTAGGTCAGCCAGCATTTTCCTGACACCAGGGACCAGGCTGCCTTCCCACTAGCT-3'